The following is an entry in ClinVar:

ClinVar aggregate classification (germline): Likely benign. Review status: criteria provided, multiple submitters, no conflicts (2 of 4 stars). 3 submissions from 3 submitters: Likely benign (2). 1 of the submissions does not count toward it. Last evaluated 2026-01-17.

Conditions:
PRPF8-related disorder. Also called: PRPF8-related condition.

Allele frequency attached by ClinVar (database versions not stated): gnomAD 0.00002 and 0.00003; gnomAD exomes 0.00002 and 0.00007; TOPMed 0.00003; ExAC 0.00004; ESP Exome Variant Server 0.00015.
gnomAD v4.1: 98 of 1,614,044 alleles (0.0061%); highest among the groups gnomAD compares: Non-Finnish European, 0.0081%; no homozygotes.

Submissions (3):

Labcorp Genetics (formerly Invitae), Labcorp
Classification: Likely benign. Last evaluated: 2026-01-17. Review status: criteria provided, single submitter. Criteria: Invitae Variant Classification Sherloc (09022015). Collection method: clinical testing. Allele origin: germline.

Blueprint Genetics
Classification: Likely benign. Last evaluated: 2021-11-30. Review status: criteria provided, single submitter. Criteria: ACMG Guidelines, 2015. Collection method: clinical testing. Allele origin: germline.

PreventionGenetics, part of Exact Sciences
Classification: Likely benign for PRPF8-related condition. Last evaluated: 2019-03-14. Review status: no assertion criteria provided. Collection method: clinical testing. Allele origin: germline. Not counted in ClinVar's aggregate classification.
Comment: This variant is classified as likely benign based on ACMG/AMP sequence variant interpretation guidelines (Richards et al. 2015 PMID: 25741868, with internal and published modifications).

NM_006445.4(PRPF8):c.1515C>T (p.Asn505=)

Gene: PRPF8 (pre-mRNA processing factor 8; minus strand). Cytogenetic location: 17p13.3.
Variant type: single nucleotide variant.
Coding change: c.1515C>T on transcript NM_006445.4 (MANE Select); coding-DNA position 1515, C replaced by T.
Protein change: p.Asn505=; no amino-acid change (asparagine 505 retained).
Molecular consequence: synonymous variant.
Genome position (GRCh38, 1-based): chr17:1,679,101, G>A on the plus strand (C>T on the coding strand, the complement: PRPF8 is on the minus strand). VCF-style: chr17-1679101-G-A. GRCh37 (hg19) VCF-style: chr17-1582395-G-A.
Other names: c.1515C>T (NM_006445.3).
Identifiers: ClinVar variation 1604301 (VCV001604301.10), dbSNP rs147326078, ClinGen allele CA8272332.